The following is an entry in ClinVar:

NM_182914.3(SYNE2):c.8861C>T (p.Ala2954Val)

Gene: SYNE2 (spectrin repeat containing nuclear envelope protein 2; plus strand). Cytogenetic location: 14q23.2.
Variant type: single nucleotide variant.
Coding change: c.8861C>T on transcript NM_182914.3 (MANE Select); coding-DNA position 8861, C replaced by T.
Protein change: p.Ala2954Val; replaces alanine 2954 with valine.
Molecular consequence: missense variant.
Genome position (GRCh38, 1-based): chr14:64,052,774, C>T. VCF-style: chr14-64052774-C-T. GRCh37 (hg19) VCF-style: chr14-64519492-C-T.
Other names: c.8861C>T, p.Ala2954Val (NM_015180.6); c.8861C>T (NM_182914.2); short protein forms A2954V.
Identifiers: ClinVar variation 1006912 (VCV001006912.10), dbSNP rs369713092, ClinGen allele CA7221172.
Genomic context (GRCh38, chr14:64,052,774, plus strand): 5'-CATGTAATGAAGTGGAACACAAGATAAAGTTTTGCAGACAATTCCATGAAAAAACATCAG[C>T]GCTTCAGGAGGAGGCTGACAGTATACAGCGCAATGAACTATTACTTAATCAAGAAGTAAA-3'
Protein context (NP_878918.2, residues 2944-2964): FCRQFHEKTS[Ala2954Val]LQEEADSIQR

ClinVar aggregate classification (germline): Conflicting classifications of pathogenicity. Review status: criteria provided, conflicting classifications (1 of 4 stars). 2 submissions from 2 submitters: Uncertain significance (1); Likely benign (1). Last evaluated 2025-10-02.

Conditions:
Emery-Dreifuss muscular dystrophy 5, autosomal dominant (EDMD5). Also called: EMERY-DREIFUSS MUSCULAR DYSTROPHY 5. Identifiers: Orphanet 261, MedGen C2751805, MONDO:0013072, OMIM 612999.

Allele frequency attached by ClinVar (database versions not stated): ExAC 0.00003; TOPMed 0.00004; gnomAD 0.00007; ESP Exome Variant Server 0.00008.
gnomAD v4.1: 64 of 1,612,190 alleles (0.004%); highest among the groups gnomAD compares: Admixed American, 0.018%; no homozygotes.

Submissions (2):

Labcorp Genetics (formerly Invitae), Labcorp
Classification: Uncertain significance for Emery-Dreifuss muscular dystrophy 5, autosomal dominant. Last evaluated: 2025-10-02. Review status: criteria provided, single submitter. Criteria: Invitae Variant Classification Sherloc (09022015). Collection method: clinical testing. Allele origin: germline.
Comment: This sequence change replaces alanine, which is neutral and non-polar, with valine, which is neutral and non-polar, at codon 2954 of the SYNE2 protein (p.Ala2954Val). This variant is present in population databases (rs369713092, gnomAD 0.006%). This variant has not been reported in the literature in individuals affected with SYNE2-related conditions. ClinVar contains an entry for this variant (Variation ID: 1006912). An algorithm developed to predict the effect of missense changes on protein structure and function outputs the following: PolyPhen-2: "Benign". The valine amino acid residue is found in multiple mammalian species, which suggests that this missense change does not adversely affect protein function. In summary, the available evidence is currently insufficient to determine the role of this variant in disease. Therefore, it has been classified as a Variant of Uncertain Significance.

Ambry Genetics
Classification: Likely benign. Last evaluated: 2023-08-22. Review status: criteria provided, single submitter. Criteria: Ambry Variant Classification Scheme 2023. Collection method: clinical testing. Allele origin: germline.